The following is an entry in ClinVar:

NM_003922.4(HERC1):c.14072G>C (p.Arg4691Pro)

Gene: HERC1 (HECT and RLD domain containing E3 ubiquitin protein ligase family member 1; minus strand). Cytogenetic location: 15q22.31.
Variant type: single nucleotide variant.
Coding change: c.14072G>C on transcript NM_003922.4 (MANE Select); coding-DNA position 14072, G replaced by C.
Protein change: p.Arg4691Pro; replaces arginine 4691 with proline.
Molecular consequence: missense variant.
Genome position (GRCh38, 1-based): chr15:63,615,790, C>G on the plus strand (G>C on the coding strand, the complement: HERC1 is on the minus strand). VCF-style: chr15-63615790-C-G. GRCh37 (hg19) VCF-style: chr15-63907989-C-G.
Other names: short protein forms R4691P.
Identifiers: ClinVar variation 984952 (VCV000984952.6), dbSNP rs757446033, ClinGen allele CA392732233.

ClinVar aggregate classification (germline): Pathogenic. Review status: criteria provided, single submitter (1 of 4 stars). 2 submissions from 2 submitters: Pathogenic (1). 1 of the submissions does not count toward it. Last evaluated 2020-05-08.

Conditions:
Macrocephaly, dysmorphic facies, and psychomotor retardation (MDFPMR). Identifiers: Orphanet 457359, MedGen C4310766, MONDO:0014863, OMIM 617011.

Submissions (2):

Charité Universitätsmedizin Berlin, Charite Universitaetsmedizin Berlin
Classification: Pathogenic for Macrocephaly, dysmorphic facies, and psychomotor retardation. Last evaluated: 2020-05-08. Review status: criteria provided, single submitter. Criteria: ACMG Guidelines, 2015. Collection method: clinical testing, research. Allele origin: germline, not applicable. Inheritance: Autosomal recessive inheritance. Affected: yes. Observed: 2 variant alleles, 2 homozygotes. Clinical features observed: Macrocephaly (HP:0000256), Global developmental delay (HP:0001263), Intellectual disability (HP:0001249), Gait ataxia (HP:0002066), Abnormal pyramidal sign (HP:0007256), Hypotonia (HP:0001252), Long face (HP:0000276), Hypertelorism (HP:0000316), Prominent forehead (HP:0011220). Functional consequence: variation affecting protein.
Comment: We detected a missense variant in the HERC1 gene which we deem responsible for the onset of a clinical condition with epilepsy, macrocephaly, somatic overgrowth, and dysmorphic facial features in two sisters from a consangoinous marriage. We consider the following five points as strongly supporting our conclusion that the c.14,072G>C HERC1 variant is disease-causing: (i) Homozygosity for the variant co-segregates with the disease phenotype in the family and both parents are heterozygous. (ii) The variant is absent in the homozygous state in the large datasets of chromosomes from the gnomAD and 1000 Genomes databases. (iii) The mutant codon (CCA>CGA, p.Arg4,691Pro) is highly conserved on the DNA-level, with a PhyloP score of 6.294 in the high range and a PhastCons score of 1 (range 0 to 1), and on the amino acid level in vertebrates and invertebrates. The exchange of an arginine for a proline replaces an electrically charged side chain with an aliphatic side chain, while the cyclic structure of proline conveys exceptional conformational rigidity. The exchange is marked by a Grantham score of 103 (range 0 to 215). The p.(Arg4,691Pro) mutation is located in the C-terminal HECT domain and we hypothesize the mutation affects protein folding and interaction with binding partners. (iv) Our patientsâ€™ phenotype with macrocephalus, overgrowth, and neurological symptoms overlaps with key features of previously published patients with HERC1 mutations. (v) We have excluded mutations in other genes that could be responsible for the phenotype. According to the Standards and Guidelines for the Interpretation of Sequence Variants developed by the American College of Medical Genetics and Genomics, the c.14,072G>C variant can be classified as a â€œpathogenicâ€ sequence variation with supporting evidence. It is absent from controls (or at extremely low frequency if recessive) in WES and WGS sequencing projects (PM2), homozygosity of the variant co-segregates with the disease phenotype in multiple family members (PP1), and several lines of computational evidence support a deleterious effect on the gene or gene product (PP3). We moreover functionally assessed the HERC1 mutation by investigation of patient and control fibroblasts under normal and nutrient starving conditions. During catabolic state, mTORC1 activity remained high in patient fibroblasts, which stands in stark contrast to its downregulation in controls. This was corroborated by an abnormally high phosphorylation of S6K1-kinase, a direct downstream target of mTORC1, in patients. Moreover, autophagy, usually enhanced in catabolic states, was down-regulated in patient fibroblasts. These data confirm that the missense variant found in both patients results in a gain-of-function for the mutant HERC1 protein.

OMIM
Classification: Pathogenic for MACROCEPHALY, DYSMORPHIC FACIES, AND PSYCHOMOTOR RETARDATION. Last evaluated: 2021-04-14. Review status: no assertion criteria provided. Collection method: literature only. Allele origin: germline. Not counted in ClinVar's aggregate classification.

Literature cited by the submitters: PubMed 32921582 (cited by Charité Universitätsmedizin Berlin, Charite Universitaetsmedizin Berlin and OMIM).